The following is an entry in ClinVar:

ClinVar aggregate classification (germline): Likely pathogenic (1 of 4 stars; one submission).

Conditions:
Retinitis pigmentosa 20 (RP20). Identifiers: Orphanet 791, MedGen C3151086, MONDO:0013425, OMIM 613794.
Leber congenital amaurosis 2 (LCA2). Also called: AMAUROSIS CONGENITA OF LEBER II; Autosomal Recessive RPE65-Related Retinal Degeneration. Identifiers: Orphanet 65, MedGen C1859844, MONDO:0008765, OMIM 204100. Disease mechanism: loss of function.

Submission:

Labcorp Genetics (formerly Invitae), Labcorp
Classification: Likely pathogenic for Leber congenital amaurosis 2; Retinitis pigmentosa 20. Last evaluated: 2024-09-21. Review status: criteria provided, single submitter. Criteria: Invitae Variant Classification Sherloc (09022015). Collection method: clinical testing. Allele origin: germline.
Comment: This sequence change affects an acceptor splice site in intron 10 of the RPE65 gene. It is expected to disrupt RNA splicing. Variants that disrupt the donor or acceptor splice site typically lead to a loss of protein function (PMID: 16199547), and loss-of-function variants in RPE65 are known to be pathogenic (PMID: 9326941, 9501220, 9843205, 18632300). This variant is present in population databases (no rsID available, gnomAD 0.0009%). This variant has not been reported in the literature in individuals affected with RPE65-related conditions. Algorithms developed to predict the effect of sequence changes on RNA splicing suggest that this variant may disrupt the consensus splice site. In summary, the currently available evidence indicates that the variant is pathogenic, but additional data are needed to prove that conclusively. Therefore, this variant has been classified as Likely Pathogenic.

Literature cited by the submitters: PubMed 16199547; PubMed 9326941; PubMed 9501220; PubMed 9843205; PubMed 18632300.

NM_000329.3(RPE65):c.1129-1G>A

Gene: RPE65 (retinoid isomerohydrolase RPE65; minus strand). Cytogenetic location: 1p31.3.
Variant type: single nucleotide variant.
Coding change: c.1129-1G>A on transcript NM_000329.3 (MANE Select); the canonical splice acceptor site of the intron before coding-DNA position 1129, G replaced by A.
Molecular consequence: splice acceptor variant.
Genome position (GRCh38, 1-based): chr1:68,431,586, C>T on the plus strand (G>A on the coding strand, the complement: RPE65 is on the minus strand). VCF-style: chr1-68431586-C-T. GRCh37 (hg19) VCF-style: chr1-68897269-C-T.
Other names: c.853-1G>A (NM_001406857.1, NM_001406856.1); c.1021-1G>A (NM_001406853.1).
Identifiers: ClinVar variation 3756290 (VCV003756290.2).